The following is an entry in ClinVar:

ClinVar aggregate classification (germline): Uncertain significance. Review status: criteria provided, multiple submitters, no conflicts (2 of 4 stars). 4 submissions from 4 submitters: Uncertain significance (4). Last evaluated 2025-12-01.

Conditions:
Legius syndrome. Identifiers: Orphanet 137605, MedGen C1969623, MONDO:0012669, OMIM 611431. Disease mechanism: loss of function.
SPRED1-related disorder. Also called: SPRED1-related condition.

Allele frequency attached by ClinVar (database versions not stated): gnomAD 0.00001 and 0.00002; gnomAD exomes 0.00001; TOPMed 0.00003.
gnomAD v4.1: 13 of 1,613,924 alleles (0.00081%); highest among the groups gnomAD compares: African/African-American, 0.008%; no homozygotes.

Submissions (4):

Labcorp Genetics (formerly Invitae), Labcorp
Classification: Uncertain significance for Legius syndrome. Last evaluated: 2025-12-01. Review status: criteria provided, single submitter. Criteria: Invitae Variant Classification Sherloc (09022015). Collection method: clinical testing. Allele origin: germline.
Comment: This sequence change replaces arginine, which is basic and polar, with cysteine, which is neutral and slightly polar, at codon 428 of the SPRED1 protein (p.Arg428Cys). This variant is present in population databases (no rsID available, gnomAD 0.007%). This variant has not been reported in the literature in individuals affected with SPRED1-related conditions. ClinVar contains an entry for this variant (Variation ID: 372629). Invitae Evidence Modeling of protein sequence and biophysical properties (such as structural, functional, and spatial information, amino acid conservation, physicochemical variation, residue mobility, and thermodynamic stability) indicates that this missense variant is not expected to disrupt SPRED1 protein function with a negative predictive value of 80%. In summary, the available evidence is currently insufficient to determine the role of this variant in disease. Therefore, it has been classified as a Variant of Uncertain Significance.

PreventionGenetics, part of Exact Sciences
Classification: Uncertain significance for SPRED1-related condition. Last evaluated: 2025-04-11. Review status: criteria provided, single submitter. Criteria: ACMG Guidelines, 2015. Collection method: clinical testing. Allele origin: germline.
Comment: The SPRED1 c.1282C>T variant is predicted to result in the amino acid substitution p.Arg428Cys. To our knowledge, this variant has not been reported in the literature. This variant is reported in 0.0062% of alleles in individuals of African descent in gnomAD. At this time, the clinical significance of this variant is uncertain due to the absence of conclusive functional and genetic evidence.

Women's Health and Genetics/Laboratory Corporation of America, LabCorp
Classification: Uncertain significance. Last evaluated: 2023-09-26. Review status: criteria provided, single submitter. Criteria: LabCorp Variant Classification Summary - May 2015. Collection method: clinical testing. Allele origin: germline.
Comment: Variant summary: SPRED1 c.1282C>T (p.Arg428Cys) results in a non-conservative amino acid change in the encoded protein sequence. Three of five in-silico tools predict a damaging effect of the variant on protein function. The variant allele was found at a frequency of 8e-06 in 251106 control chromosomes (gnomAD). The available data on variant occurrences in the general population are insufficient to allow any conclusion about variant significance. To our knowledge, no occurrence of c.1282C>T in individuals affected with Neurofibromatosis Type 1-Like Syndrome (Legius Syndrome) and no experimental evidence demonstrating its impact on protein function have been reported. Two submitters have cited clinical-significance assessments for this variant to ClinVar after 2014. Both submitters classified the variant as uncertain significance. Based on the evidence outlined above, the variant was classified as uncertain significance.

GeneDx
Classification: Uncertain significance. Last evaluated: 2015-11-13. Review status: criteria provided, single submitter. Criteria: GeneDx Variant Classification (06012015). Collection method: clinical testing. Allele origin: germline. Affected: yes.
Comment: The R428C variant has not been published as a pathogenic variant, nor has it been reported as a benign variant to our knowledge. This variant was not observed in approximately 6500 individuals of European and African American ancestry in the NHLBI Exome Sequencing Project, indicating it is not a common benign variant in these populations. The R428C variant is a non-conservative amino acid substitution, which is likely to impact secondary protein structure as these residues differ in polarity, charge, size and/or other properties. This substitution occurs at a position in the SPR domain where amino acids with similar properties to Argininie are tolerated across species. However, in silico analysis is inconsistent in its predictions as to whether or not the variant is damaging to the protein structure/function. No missense variants have been reported in nearby residues in the Human Gene Mutation Database in association with any RASopathy disorder (Stenson et al., 2014). Therefore, based on the currently available information, it is unclear whether this variant is a pathogenic variant or a rare benign variant.

NM_152594.3(SPRED1):c.1282C>T (p.Arg428Cys)

Gene: SPRED1 (sprouty related EVH1 domain containing 1; plus strand). Cytogenetic location: 15q14.
Variant type: single nucleotide variant.
Coding change: c.1282C>T on transcript NM_152594.3 (MANE Select); coding-DNA position 1282, C replaced by T.
Protein change: p.Arg428Cys; replaces arginine 428 with cysteine.
Molecular consequence: missense variant.
Genome position (GRCh38, 1-based): chr15:38,351,611, C>T. VCF-style: chr15-38351611-C-T. GRCh37 (hg19) VCF-style: chr15-38643812-C-T.
Other names: short protein forms R428C.
Identifiers: ClinVar variation 372629 (VCV000372629.10), dbSNP rs941091989, ClinGen allele CA16042992.
Genomic context (GRCh38, chr15:38,351,611, plus strand): 5'-GTAGCTTTGTCTTTCATTGTACCATGTATGTGCTGCTACGTCCCTTTGAGAATGTGCCAT[C>T]GCTGTGGTGAGGCATGTGGTTGCTGTGGTGGGAAACATAAAGCTGCTGGATGAAATGGTC-3'
Protein context (NP_689807.1, residues 418-438): CCYVPLRMCH[Arg428Cys]CGEACGCCGG